The following is an entry in ClinVar:

ClinVar aggregate classification (germline): Pathogenic (1 of 4 stars; one submission).

Conditions:
Donnai-Barrow syndrome. Also called: DBS/FOAR SYNDROME; FACIOOCULOACOUSTICORENAL SYNDROME. Identifiers: Orphanet 2143, MedGen C1857277, MONDO:0009104, OMIM 222448.

Submission:

Myriad Genetics, Inc.
Classification: Pathogenic for Donnai-Barrow syndrome. Last evaluated: 2024-08-09. Review status: criteria provided, single submitter. Criteria: Myriad Autosomal Dominant, Autosomal Recessive and X-Linked Classification Criteria (2023). Collection method: clinical testing. Allele origin: unknown.
Comment: NM_004525.2(LRP2):c.3039C>A(C1013*) is expected to be pathogenic in the context of Donnai-Barrow syndrome. This variant is predicted to lead to an abnormal or absent protein product due to the creation of a premature termination codon in LRP2, a gene where loss-of-function variants are known to be pathogenic. Please note: this variant was assessed in the context of healthy population screening.

NM_004525.3(LRP2):c.3039C>A (p.Cys1013Ter)

Gene: LRP2 (LDL receptor related protein 2; minus strand). Cytogenetic location: 2q31.1.
Variant type: single nucleotide variant.
Coding change: c.3039C>A on transcript NM_004525.3 (MANE Select); coding-DNA position 3039, C replaced by A.
Protein change: p.Cys1013Ter; replaces cysteine 1013 with a stop codon.
Molecular consequence: nonsense.
Genome position (GRCh38, 1-based): chr2:169,246,856, G>T on the plus strand (C>A on the coding strand, the complement: LRP2 is on the minus strand). VCF-style: chr2-169246856-G-T. GRCh37 (hg19) VCF-style: chr2-170103366-G-T.
Other names: short protein forms C1013*.
Identifiers: ClinVar variation 5013435 (VCV005013435.1).